The following is an entry in ClinVar:

ClinVar aggregate classification (germline): Uncertain significance (1 of 4 stars; one submission).

gnomAD v4.1: 3 of 1,613,846 alleles (0.00019%); highest among the groups gnomAD compares: African/African-American, 0.0027%; no homozygotes.

Submission:

Women's Health and Genetics/Laboratory Corporation of America, LabCorp
Classification: Uncertain significance. Last evaluated: 2026-03-13. Review status: criteria provided, single submitter. Criteria: LabCorp Variant Classification Summary - May 2015. Collection method: clinical testing. Allele origin: germline.
Comment: Variant summary: LAMB1 c.1045G>T (p.Ala349Ser) results in a conservative amino acid change in the encoded protein sequence. Algorithms developed to predict the effect of missense changes on protein structure and function are either unavailable or do not agree on the potential impact of this missense change. The variant allele was found at a frequency of 3.5e-06 in 282654 control chromosomes. The available data on variant occurrences in the general population are insufficient to allow any conclusion about variant significance. To our knowledge, no occurrence of c.1045G>T in individuals affected with LAMB1-related conditions and no experimental evidence demonstrating its impact on protein function have been reported. No submitters have cited clinical-significance assessments for this variant to ClinVar. Based on the evidence outlined above, the variant was classified as uncertain significance.

NM_002291.3(LAMB1):c.1045G>T (p.Ala349Ser)

Gene: LAMB1 (laminin subunit beta 1; minus strand). Cytogenetic location: 7q31.1.
Variant type: single nucleotide variant.
Coding change: c.1045G>T on transcript NM_002291.3 (MANE Select); coding-DNA position 1045, G replaced by T.
Protein change: p.Ala349Ser; replaces alanine 349 with serine.
Molecular consequence: missense variant.
Genome position (GRCh38, 1-based): chr7:107,975,833, C>A on the plus strand (G>T on the coding strand, the complement: LAMB1 is on the minus strand). VCF-style: chr7-107975833-C-A. GRCh37 (hg19) VCF-style: chr7-107616278-C-A.
Other names: short protein forms A349S.
Identifiers: ClinVar variation 4847239 (VCV004847239.1).